The following is an entry in ClinVar:

NM_017514.5(PLXNA3):c.3572G>A (p.Arg1191Gln)

Gene: PLXNA3 (plexin A3; plus strand). Cytogenetic location: Xq28.
Variant type: single nucleotide variant.
Coding change: c.3572G>A on transcript NM_017514.5 (MANE Select); coding-DNA position 3572, G replaced by A.
Protein change: p.Arg1191Gln; replaces arginine 1191 with glutamine.
Molecular consequence: missense variant.
Genome position (GRCh38, 1-based): chrX:154,467,675, G>A. VCF-style: chrX-154467675-G-A. GRCh37 (hg19) VCF-style: chrX-153696018-G-A.
Other names: short protein forms R1191Q.
Identifiers: ClinVar variation 2219412 (VCV002219412.4), dbSNP rs374696091, ClinGen allele CA10564660.

ClinVar aggregate classification (germline): Uncertain significance. Review status: criteria provided, multiple submitters, no conflicts (2 of 4 stars). 2 submissions from 2 submitters: Uncertain significance (2). Last evaluated 2026-09-22.

Conditions:
PLXNA3-related disorder. Also called: PLXNA3-related condition.

Allele frequency attached by ClinVar (database versions not stated): gnomAD 0.00002; ExAC 0.00003; TOPMed 0.00004; gnomAD exomes 0.00008; ESP Exome Variant Server 0.00009.
gnomAD v4.1: 86 of 1,207,852 alleles (0.0071%); highest among the groups gnomAD compares: Non-Finnish European, 0.0092%; no homozygotes.

Submissions (2):

PreventionGenetics, part of Exact Sciences
Classification: Uncertain significance for PLXNA3-related condition. Last evaluated: 2026-09-22. Review status: criteria provided, single submitter. Criteria: ACMG Guidelines, 2015. Collection method: clinical testing. Allele origin: germline.
Comment: The PLXNA3 c.3572G>A variant is predicted to result in the amino acid substitution p.Arg1191Gln. To our knowledge, this variant has not been reported in the literature. This variant is reported in 0.0054% of alleles in individuals of African descent in gnomAD. At this time, the clinical significance of this variant is uncertain due to the absence of conclusive functional and genetic evidence.

Ambry Genetics
Classification: Uncertain significance. Last evaluated: 2025-06-24. Review status: criteria provided, single submitter. Criteria: Ambry Variant Classification Scheme 2023. Collection method: clinical testing. Allele origin: germline.